The following is an entry in ClinVar:

ClinVar aggregate classification (germline): Uncertain significance (1 of 4 stars; one submission).

Submission:

GeneDx
Classification: Uncertain significance. Last evaluated: 2025-03-24. Review status: criteria provided, single submitter. Criteria: GeneDx Variant Classification Process June 2021. Collection method: clinical testing. Allele origin: germline. Affected: yes.
Comment: Not observed at significant frequency in large population cohorts (gnomAD); In silico analysis supports that this missense variant has a deleterious effect on protein structure/function; Has not been previously published as pathogenic or benign to our knowledge

NM_000807.4(GABRA2):c.975C>G (p.Phe325Leu)

Gene: GABRA2 (gamma-aminobutyric acid type A receptor subunit alpha2; minus strand). Cytogenetic location: 4p12.
Variant type: single nucleotide variant.
Coding change: c.975C>G on transcript NM_000807.4 (MANE Select); coding-DNA position 975, C replaced by G.
Protein change: p.Phe325Leu; replaces phenylalanine 325 with leucine.
Molecular consequence: missense variant.
Genome position (GRCh38, 1-based): chr4:46,262,010, G>C on the plus strand (C>G on the coding strand, the complement: GABRA2 is on the minus strand). VCF-style: chr4-46262010-G-C. GRCh37 (hg19) VCF-style: chr4-46264027-G-C.
Other names: c.975C>G, p.Phe325Leu (NM_001377147.1, NM_001377148.1, NM_001377149.1 and 8 more transcripts); c.810C>G, p.Phe270Leu (NM_001377152.1, NM_001377153.1, NM_001377154.1 and 1 more transcripts); short protein forms F270L, F325L.
Identifiers: ClinVar variation 4087889 (VCV004087889.1).